The following is an entry in ClinVar:

NM_015450.3(POT1):c.9+4A>G

Gene: POT1 (protection of telomeres 1; minus strand). Cytogenetic location: 7q31.33.
Variant type: single nucleotide variant.
Coding change: c.9+4A>G on transcript NM_015450.3 (MANE Select); 4 bases into the intron after coding-DNA position 9, A replaced by G.
Molecular consequence: intron variant.
Genome position (GRCh38, 1-based): chr7:124,897,161, T>C on the plus strand (A>G on the coding strand, the complement: POT1 is on the minus strand). VCF-style: chr7-124897161-T-C. GRCh37 (hg19) VCF-style: chr7-124537215-T-C.
Other names: c.-254+4A>G (NM_001042594.2).
Identifiers: ClinVar variation 1052949 (VCV001052949.7), dbSNP rs2116643174, ClinGen allele CA2499218714.

ClinVar aggregate classification (germline): Pathogenic (1 of 4 stars; one submission).

Conditions:
Tumor predisposition syndrome 3 (TPDS3). Also called: Melanoma, cutaneous malignant, susceptibility to, 10; Glioma susceptibility 9; LONG TELOMERE SYNDROME, POT1-RELATED; POT1 Tumor Predisposition. Identifiers: Orphanet 618, MedGen C4014476, MONDO:0014368, OMIM 615848.

Submission:

Labcorp Genetics (formerly Invitae), Labcorp
Classification: Pathogenic for Tumor predisposition syndrome 3. Last evaluated: 2024-02-23. Review status: criteria provided, single submitter. Criteria: Invitae Variant Classification Sherloc (09022015). Collection method: clinical testing. Allele origin: germline.
Comment: This sequence change falls in intron 5 of the POT1 gene. It does not directly change the encoded amino acid sequence of the POT1 protein. RNA analysis indicates that this variant induces altered splicing and is likely to result in the loss of the initiator methionine. This variant is not present in population databases (gnomAD no frequency). This variant has not been reported in the literature in individuals affected with POT1-related conditions. ClinVar contains an entry for this variant (Variation ID: 1052949). Variants that disrupt the consensus splice site are a relatively common cause of aberrant splicing (PMID: 17576681, 9536098). Studies have shown that this variant results in skipping of exon 5, and is expected to result in the loss of the initiator methionine (Invitae). This variant disrupts a region of the POT1 protein in which other variant(s) (Deletion (Exon 5)) have been determined to be pathogenic (Invitae). This suggests that this is a clinically significant region of the protein, and that variants that disrupt it are likely to be disease-causing. For these reasons, this variant has been classified as Pathogenic.

Literature cited by the submitters: PubMed 17576681; PubMed 9536098.